The following is an entry in ClinVar:

NM_001145308.5(LRTOMT):c.756C>T (p.Arg252=)

Genes: ANAPC15 (anaphase promoting complex subunit 15; minus strand), LRTOMT (leucine rich transmembrane and O-methyltransferase domain containing; plus strand), TOMT (transmembrane O-methyltransferase; plus strand). Cytogenetic location: 11q13.4.
Variant type: single nucleotide variant.
Coding change: c.756C>T on transcript NM_001145308.5; coding-DNA position 756, C replaced by T.
Protein change: p.Arg252=; no amino-acid change (arginine 252 retained).
Molecular consequence: synonymous variant. On other transcripts: 3 prime UTR variant (3), non-coding transcript variant (1), intron variant (7).
Genome position (GRCh38, 1-based): chr11:72,108,805, C>T. VCF-style: chr11-72108805-C-T. GRCh37 (hg19) VCF-style: chr11-71819851-C-T.
Other names: c.657C>T, p.Arg219= (NM_001393500.2); c.756C>T, p.Arg252= (NM_001145309.4); c.636C>T, p.Arg212= (NM_001145310.4); c.*14G>A (NM_001393443.1, NM_001393444.1, NM_001393445.1); c.64-1200G>A (NM_001393459.1); c.319-1200G>A (NM_001393430.1, NM_001393429.1, NM_001393428.1 and 3 more transcripts).
Identifiers: ClinVar variation 1300473 (VCV001300473.4), dbSNP rs933205686, ClinGen allele CA224375637.

ClinVar aggregate classification (germline): Uncertain significance (1 of 4 stars; one submission).

Allele frequency attached by ClinVar (database versions not stated): gnomAD 0.00005; gnomAD exomes below 0.00001; TOPMed 0.00004.
gnomAD v4.1: 9 of 1,550,538 alleles (0.00058%); highest among the groups gnomAD compares: African/African-American, 0.012%; no homozygotes.

Submission:

GeneDx
Classification: Uncertain significance. Last evaluated: 2021-03-24. Review status: criteria provided, single submitter. Criteria: GeneDx Variant Classification Process June 2021. Collection method: clinical testing. Allele origin: germline. Affected: yes.
Comment: Not observed at significant frequency in large population cohorts (Lek et al., 2016); In silico analysis supports that this variant does not alter splicing; Has not been previously published as pathogenic or benign to our knowledge